The following is an entry in ClinVar:

ClinVar aggregate classification (germline): Likely pathogenic (1 of 4 stars; one submission).

Submission:

Labcorp Genetics (formerly Invitae), Labcorp
Classification: Likely pathogenic. Last evaluated: 2024-05-22. Review status: criteria provided, single submitter. Criteria: Invitae Variant Classification Sherloc (09022015). Collection method: clinical testing. Allele origin: germline.
Comment: This sequence change affects an acceptor splice site in intron 3 of the TNFAIP3 gene. It is expected to disrupt RNA splicing. Variants that disrupt the donor or acceptor splice site typically lead to a loss of protein function (PMID: 16199547), and loss-of-function variants in TNFAIP3 are known to be pathogenic (PMID: 26642243). This variant is not present in population databases (gnomAD no frequency). This variant has not been reported in the literature in individuals affected with TNFAIP3-related conditions. Algorithms developed to predict the effect of sequence changes on RNA splicing suggest that this variant may disrupt the consensus splice site. In summary, the currently available evidence indicates that the variant is pathogenic, but additional data are needed to prove that conclusively. Therefore, this variant has been classified as Likely Pathogenic.

Literature cited by the submitters: PubMed 16199547; PubMed 26642243.

NM_001270508.2(TNFAIP3):c.487-2A>G

Genes: TNFAIP3 (TNF alpha induced protein 3; plus strand), LOC126859807 (MED14-independent group 3 enhancer GRCh37_chr6:138196296-138197495; plus strand). Cytogenetic location: 6q23.3.
Variant type: single nucleotide variant.
Coding change: c.487-2A>G on transcript NM_001270508.2 (MANE Select); the canonical splice acceptor site of the intron before coding-DNA position 487, A replaced by G.
Molecular consequence: splice acceptor variant.
Genome position (GRCh38, 1-based): chr6:137,875,686, A>G. VCF-style: chr6-137875686-A-G. GRCh37 (hg19) VCF-style: chr6-138196823-A-G.
Other names: c.487-2A>G (NM_001270507.2, NM_006290.4).
Identifiers: ClinVar variation 3651358 (VCV003651358.2).
Genomic context (GRCh38, chr6:137,875,686, plus strand): 5'-GACTTTTTAGTACAGGGAGTACAGGATACATTCAAGCTTTTTTTTCACCCCGCTCCCCTT[A>G]GAACTGGAATGATGAATGGGACAATCTTATCAAAATGGCTTCCACAGACACACCCATGGC-3'